The following is an entry in ClinVar:

NM_000329.3(RPE65):c.304G>T (p.Glu102Ter)

Gene: RPE65 (retinoid isomerohydrolase RPE65; minus strand). Cytogenetic location: 1p31.3.
Variant type: single nucleotide variant.
Coding change: c.304G>T on transcript NM_000329.3 (MANE Select); coding-DNA position 304, G replaced by T.
Protein change: p.Glu102Ter; replaces glutamic acid 102 with a stop codon.
Molecular consequence: nonsense.
Genome position (GRCh38, 1-based): chr1:68,444,825, C>A on the plus strand (G>T on the coding strand, the complement: RPE65 is on the minus strand). VCF-style: chr1-68444825-C-A. GRCh37 (hg19) VCF-style: chr1-68910508-C-A.
Other names: NM_000329.3(RPE65):c.304G>T; p.Glu102Ter; short protein forms E102*.
Identifiers: ClinVar variation 98863 (VCV000098863.66), dbSNP rs62642584, ClinGen allele CA226540.
Genomic context (GRCh38, chr1:68,444,825, plus strand): 5'-GGTTCAGTAACCTGGAAAATATATTCTTGCAGGGATCTGGGAAAGCACAGGTGCCAAATT[C>A]TGTTATGACGATCCTTTTCTCAGTCATTGCCCGTACGTAAGCATCAGTGCGGATGAACCT-3'

ClinVar aggregate classification (germline): Pathogenic. Review status: reviewed by expert panel (3 of 4 stars). 13 submissions from 13 submitters: Pathogenic (1). 12 of the submissions do not count toward it. Last evaluated 2024-02-20.

Conditions:
RPE65-related recessive retinopathy. Also called: Recessive RPE65 retinopathy. Identifiers: MedGen CN305526, MONDO:0100368.
RPE65-related disorder. Also called: RPE65-related condition; RPE65-related disorders. Identifiers: MedGen CN239301.
Retinal dystrophy. Also called: Inherited retinal dystrophy. Identifiers: Orphanet 71862, MedGen C0854723, MeSH D058499, MONDO:0019118, HP:0000556.
Leber congenital amaurosis 2 (LCA2). Also called: AMAUROSIS CONGENITA OF LEBER II; Autosomal Recessive RPE65-Related Retinal Degeneration. Identifiers: Orphanet 65, MedGen C1859844, MONDO:0008765, OMIM 204100. Disease mechanism: loss of function.
Retinitis pigmentosa 20 (RP20). Identifiers: Orphanet 791, MedGen C3151086, MONDO:0013425, OMIM 613794.
Leber congenital amaurosis (LCA). Also called: Leber's amaurosis. Identifiers: Orphanet 65, MedGen C0339527, MeSH D057130, MONDO:0018998.

Allele frequency attached by ClinVar (database versions not stated): ExAC 0.00001; gnomAD 0.00002; gnomAD exomes 0.00002 and 0.00004; TOPMed 0.00002.
gnomAD v4.1: 35 of 1,613,946 alleles (0.0022%); highest among the groups gnomAD compares: Non-Finnish European, 0.0025%; no homozygotes.

Submissions (13):

ClinGen Leber Congenital Amaurosis/early Onset Retinal Dystrophy Variant Curation Expert Panel, ClinGen
Classification: Pathogenic for RPE65-related recessive retinopathy. Last evaluated: 2024-02-20. Review status: reviewed by expert panel. Criteria: ClinGen LCAeoRD ACMG Specifications RPE65 V1.0.0. Collection method: curation. Allele origin: germline. Inheritance: Autosomal recessive inheritance.
Comment: NM_000329.3(RPE65):c.304G>T (p.Glu102Ter) is a nonsense variant that introduces a premature stop codon into exon 4 of 14, and is predicted to lead to nonsense-mediated decay in a gene in which loss-of-function is an established mechanism of disease (PVS1). This variant is present in gnomAD v.2.1.1 at a GrpMax allele frequency of 0.00004117, with 9 alleles / 113674 total alleles in the European (non-Finnish) population, which is lower than the ClinGen LCA / eoRD VCEP PM2_Supporting threshold of <0.0002 (PM2_Supporting). At least one proband harboring this variant exhibits a phenotype including childhood onset, nystagmus (1 pt), nyctalopia, reduced visual acuity (1 pt), undetectable electroretinogram responses from rods (0.5 pts) and cones (1 pt), and decreased peripheral vision (1 pt), which together are specific for RPE65-related recessive retinopathy (4.5 total pts, PMID: 11095629, PP4). This variant has been reported in at least 1 proband with early-onset severe retinal dystrophy who was homozygous for the variant (0.5 pts, PMID: 15512997, PM3_Supporting). The variant has been reported to segregate with childhood-onset severe retinal dystrophy through the proband plus 1 similarly affected relative, with the variant present in the homozygous state (PMID: 15512997, PP1). In summary, this variant meets the criteria to be classified as Pathogenic for RPE65-related recessive retinopathy based on the ACMG/AMP criteria applied, as specified by the ClinGen LCA / eoRD VCEP: PVS1, PM2_Supporting, PM3_Supporting, PP1, and PP4. (VCEP specifications version 1.0.0; date of approval 09/21/2023).

Natera, Inc.
Classification: Pathogenic for Leber congenital amaurosis. Last evaluated: 2025-10-14. Review status: criteria provided, single submitter. Criteria: Natera Variant Classification Schema (03/2026). Collection method: clinical testing. Allele origin: germline. Not counted in ClinVar's aggregate classification.
Comment: The c.304G>T variant in RPE65 is a nonsense variant predicted to introduce a stop codon at amino acid 102. This variant is expected to result in nonsense mediated decay, truncation, or a dysfunctional protein product. This variant is rare in the general population with a frequency below the threshold expected for the associated phenotype(s). This variant has been observed in one or more individuals affected with the associated recessive disease, as either homozygous or compound heterozygous with a second variant (PMID: 33308271, 16123401, 11095629). Given the available evidence, this variant is classified as Pathogenic.

PreventionGenetics, part of Exact Sciences
Classification: Pathogenic for RPE65-related condition. Last evaluated: 2024-11-15. Review status: criteria provided, single submitter. Criteria: ACMG Guidelines, 2015. Collection method: clinical testing. Allele origin: germline. Not counted in ClinVar's aggregate classification.
Comment: The RPE65 c.304G>T variant is predicted to result in premature protein termination (p.Glu102*). This variant has been reported in individuals with Leber congenital amaurosis or RPE65-related retinal disease (for examples see: Astuti et al. 2015. PubMed ID: 26626312; Silva et al. 2004. PubMed ID: 15512997). This variant is reported in 0.0079% of alleles in individuals of European (Non-Finnish) descent in gnomAD. Nonsense variants in RPE65 are expected to be pathogenic. This variant has been evaluated by the ClinGen Leber Congenital Amaurosis/early Onset Retinal Dystrophy Variant Curation Expert Panel and classified as pathogenic. This variant is interpreted as pathogenic.

Labcorp Genetics (formerly Invitae), Labcorp
Classification: Pathogenic for Leber congenital amaurosis 2; Retinitis pigmentosa 20. Last evaluated: 2024-10-16. Review status: criteria provided, single submitter. Criteria: Invitae Variant Classification Sherloc (09022015). Collection method: clinical testing. Allele origin: germline. Not counted in ClinVar's aggregate classification.
Comment: This sequence change creates a premature translational stop signal (p.Glu102*) in the RPE65 gene. It is expected to result in an absent or disrupted protein product. Loss-of-function variants in RPE65 are known to be pathogenic (PMID: 9326941, 9501220, 9843205, 18632300). This variant is present in population databases (rs62642584, gnomAD 0.008%). This premature translational stop signal has been observed in individual(s) with Leber congenital amaurosis, and retinal dystrophy (PMID: 11035546, 15512997, 30268864). It has also been observed to segregate with disease in related individuals. ClinVar contains an entry for this variant (Variation ID: 98863). Algorithms developed to predict the effect of sequence changes on RNA splicing suggest that this variant may disrupt the consensus splice site. For these reasons, this variant has been classified as Pathogenic.

Blueprint Genetics
Classification: Pathogenic for RPE65-related disorders. Last evaluated: 2024-08-13. Review status: criteria provided, single submitter. Criteria: ACMG Guidelines, 2015. Collection method: clinical testing. Allele origin: germline. Affected: yes. Observed: 5 variant alleles. Not counted in ClinVar's aggregate classification.

Myriad Genetics, Inc.
Classification: Pathogenic for RPE65-related recessive retinopathy. Last evaluated: 2024-05-06. Review status: criteria provided, single submitter. Criteria: Myriad Autosomal Dominant, Autosomal Recessive and X-Linked Classification Criteria (2023). Collection method: clinical testing. Allele origin: unknown. Not counted in ClinVar's aggregate classification.
Comment: NM_000329.2(RPE65):c.304G>T(E102*) is expected to be pathogenic in the context of inherited retinal dystrophy, RPE65-related. This variant is predicted to lead to an abnormal or absent protein product due to the creation of a premature termination codon in RPE65, a gene where loss-of-function variants are known to be pathogenic. Please note: this variant was assessed in the context of healthy population screening.

Baylor Genetics
Classification: Pathogenic for Leber congenital amaurosis 2. Last evaluated: 2024-03-04. Review status: criteria provided, single submitter. Criteria: ACMG Guidelines, 2015. Collection method: clinical testing. Allele origin: unknown. Not counted in ClinVar's aggregate classification.

Institute of Human Genetics, Univ. Regensburg, Univ. Regensburg
Classification: Pathogenic for Retinal dystrophy. Last evaluated: 2023-01-01. Review status: criteria provided, single submitter. Criteria: ACMG Guidelines, 2015. Collection method: clinical testing. Allele origin: germline. Affected: yes. Not counted in ClinVar's aggregate classification.

GeneDx
Classification: Pathogenic. Last evaluated: 2022-04-26. Review status: criteria provided, single submitter. Criteria: GeneDx Variant Classification Process June 2021. Collection method: clinical testing. Allele origin: germline. Affected: yes. Not counted in ClinVar's aggregate classification.
Comment: Nonsense variant predicted to result in protein truncation or nonsense mediated decay in a gene for which loss-of-function is a known mechanism of disease; This variant is associated with the following publications: (PMID: 15512997, 25525159, 32531858, 31589614, 11035546, 30268864)

CeGaT Center for Human Genetics Tuebingen
Classification: Pathogenic. Last evaluated: 2021-06-01. Review status: criteria provided, single submitter. Criteria: CeGaT Center For Human Genetics Tuebingen Variant Classification Criteria Version 2. Collection method: clinical testing. Allele origin: germline. Affected: yes. Observed: 5 variant alleles. Not counted in ClinVar's aggregate classification.

Institute of Medical Genetics and Applied Genomics, University Hospital Tübingen
Classification: Pathogenic. Last evaluated: 2020-10-23. Review status: criteria provided, single submitter. Criteria: ACMG Guidelines, 2015. Collection method: clinical testing. Allele origin: germline. Inheritance: Autosomal recessive inheritance. Affected: yes. Not counted in ClinVar's aggregate classification.

Fulgent Genetics
Classification: Pathogenic for Leber congenital amaurosis 2; Retinitis pigmentosa 20. Last evaluated: 2018-10-31. Review status: criteria provided, single submitter. Criteria: ACMG Guidelines, 2015. Collection method: clinical testing. Allele origin: unknown. Not counted in ClinVar's aggregate classification.

Retina International
No classification provided. Review status: no classification provided. Collection method: not provided. Allele origin: not provided. Not counted in ClinVar's aggregate classification.

Literature cited by the submitters: PubMed 33308271 (cited by Natera, Inc.); PubMed 16123401 (cited by Natera, Inc.); PubMed 11095629 (cited by Natera, Inc.); PubMed 9326941 (cited by Labcorp Genetics (formerly Invitae), Labcorp); PubMed 9501220 (cited by Labcorp Genetics (formerly Invitae), Labcorp); PubMed 9843205 (cited by Labcorp Genetics (formerly Invitae), Labcorp); PubMed 18632300 (cited by Labcorp Genetics (formerly Invitae), Labcorp); PubMed 11035546 (cited by Labcorp Genetics (formerly Invitae), Labcorp and Institute of Human Genetics, Univ. Regensburg, Univ. Regensburg); PubMed 15512997 (cited by Labcorp Genetics (formerly Invitae), Labcorp and Institute of Human Genetics, Univ. Regensburg, Univ. Regensburg); PubMed 30268864 (cited by Labcorp Genetics (formerly Invitae), Labcorp and Institute of Human Genetics, Univ. Regensburg, Univ. Regensburg); PubMed 25525159 (cited by Institute of Human Genetics, Univ. Regensburg, Univ. Regensburg); PubMed 31589614 (cited by Institute of Human Genetics, Univ. Regensburg, Univ. Regensburg); PubMed 31964843 (cited by Institute of Human Genetics, Univ. Regensburg, Univ. Regensburg); PubMed 32531858 (cited by Institute of Human Genetics, Univ. Regensburg, Univ. Regensburg); PubMed 35402056 (cited by Institute of Human Genetics, Univ. Regensburg, Univ. Regensburg).